The following is an entry in ClinVar:

ClinVar aggregate classification (germline): Uncertain significance. Review status: criteria provided, multiple submitters, no conflicts (2 of 4 stars). 2 submissions from 2 submitters: Uncertain significance (2). Last evaluated 2025-06-08.

Allele frequency attached by ClinVar (database versions not stated): gnomAD exomes 0.00001; ExAC 0.00002.
gnomAD v4.1: 5 of 1,612,390 alleles (0.00031%); highest among the groups gnomAD compares: Non-Finnish European, 0.00042%; no homozygotes.

Submissions (2):

Ambry Genetics
Classification: Uncertain significance. Last evaluated: 2025-06-08. Review status: criteria provided, single submitter. Criteria: Ambry Variant Classification Scheme 2023. Collection method: clinical testing. Allele origin: germline.
Comment: The p.C297R variant (also known as c.889T>C), located in coding exon 9 of the FAM175A gene, results from a T to C substitution at nucleotide position 889. The cysteine at codon 297 is replaced by arginine, an amino acid with highly dissimilar properties. This amino acid position is conserved. In addition, this alteration is predicted to be tolerated by in silico analysis. Since supporting evidence is limited at this time, the clinical significance of this alteration remains unclear.

Labcorp Genetics (formerly Invitae), Labcorp
Classification: Uncertain significance. Last evaluated: 2024-04-08. Review status: criteria provided, single submitter. Criteria: Invitae Variant Classification Sherloc (09022015). Collection method: clinical testing. Allele origin: germline.
Comment: This sequence change replaces cysteine, which is neutral and slightly polar, with arginine, which is basic and polar, at codon 297 of the ABRAXAS1 protein (p.Cys297Arg). This variant is present in population databases (rs745996212, gnomAD 0.002%). This variant has not been reported in the literature in individuals affected with ABRAXAS1-related conditions. ClinVar contains an entry for this variant (Variation ID: 411319). Advanced modeling of protein sequence and biophysical properties (such as structural, functional, and spatial information, amino acid conservation, physicochemical variation, residue mobility, and thermodynamic stability) performed at Invitae indicates that this missense variant is not expected to disrupt ABRAXAS1 protein function with a negative predictive value of 80%. In summary, the available evidence is currently insufficient to determine the role of this variant in disease. Therefore, it has been classified as a Variant of Uncertain Significance.

NM_139076.3(ABRAXAS1):c.889T>C (p.Cys297Arg)

Gene: ABRAXAS1 (abraxas 1, BRCA1 A complex subunit; minus strand). Cytogenetic location: 4q21.23.
Variant type: single nucleotide variant.
Coding change: c.889T>C on transcript NM_139076.3 (MANE Select); coding-DNA position 889, T replaced by C.
Protein change: p.Cys297Arg; replaces cysteine 297 with arginine.
Molecular consequence: missense variant.
Genome position (GRCh38, 1-based): chr4:83,462,810, A>G on the plus strand (T>C on the coding strand, the complement: ABRAXAS1 is on the minus strand). VCF-style: chr4-83462810-A-G. GRCh37 (hg19) VCF-style: chr4-84383963-A-G.
Other names: c.562T>C, p.Cys188Arg (NM_001345962.2); short protein forms C297R, C188R.
Identifiers: ClinVar variation 411319 (VCV000411319.13), dbSNP rs745996212, ClinGen allele CA2990417.